The following is an entry in ClinVar:

NM_182961.4(SYNE1):c.13289C>T (p.Ala4430Val)

Gene: SYNE1 (spectrin repeat containing nuclear envelope protein 1; minus strand). Cytogenetic location: 6q25.2.
Variant type: single nucleotide variant.
Coding change: c.13289C>T on transcript NM_182961.4 (MANE Select); coding-DNA position 13289, C replaced by T.
Protein change: p.Ala4430Val; replaces alanine 4430 with valine.
Molecular consequence: missense variant.
Genome position (GRCh38, 1-based): chr6:152,331,396, G>A on the plus strand (C>T on the coding strand, the complement: SYNE1 is on the minus strand). VCF-style: chr6-152331396-G-A. GRCh37 (hg19) VCF-style: chr6-152652531-G-A.
Other names: c.13076C>T, p.Ala4359Val (NM_033071.5); short protein forms A4359V, A4430V.
Identifiers: ClinVar variation 2392441 (VCV002392441.6), dbSNP rs764402133, ClinGen allele CA4056203.

ClinVar aggregate classification (germline): Uncertain significance. Review status: criteria provided, multiple submitters, no conflicts (2 of 4 stars). 3 submissions from 3 submitters: Uncertain significance (3). Last evaluated 2024-01-25.

Conditions:
Autosomal recessive ataxia, Beauce type. Also called: Spinocerebellar ataxia, autosomal recessive 8; ATAXIA, RECESSIVE, OF BEAUCE; SYNE1-Related Autosomal Recessive Cerebellar Ataxia; SYNE1 Deficiency. Identifiers: Orphanet 88644, MedGen C1853116, MONDO:0012549, OMIM 610743.
Emery-Dreifuss muscular dystrophy 4, autosomal dominant (EDMD4). Also called: EMERY-DREIFUSS MUSCULAR DYSTROPHY 4 WITH VARIABLE FEATURES. Identifiers: Orphanet 261, MedGen C2751807, MONDO:0013071, OMIM 612998.
Inborn genetic diseases. Identifiers: MedGen C0950123, MeSH D030342.

Allele frequency attached by ClinVar (database versions not stated): TOPMed below 0.00001; ExAC 0.00001; gnomAD exomes 0.00004.
gnomAD v4.1: 24 of 1,614,160 alleles (0.0015%); highest among the groups gnomAD compares: East Asian, 0.053%; no homozygotes.

Submissions (3):

Revvity Omics, Revvity
Classification: Uncertain significance. Last evaluated: 2024-01-25. Review status: criteria provided, single submitter. Criteria: ACMG Guidelines, 2015. Collection method: clinical testing. Allele origin: germline.

Labcorp Genetics (formerly Invitae), Labcorp
Classification: Uncertain significance for Emery-Dreifuss muscular dystrophy 4, autosomal dominant; Autosomal recessive ataxia, Beauce type. Last evaluated: 2023-01-02. Review status: criteria provided, single submitter. Criteria: Invitae Variant Classification Sherloc (09022015). Collection method: clinical testing. Allele origin: germline.
Comment: This sequence change replaces alanine, which is neutral and non-polar, with valine, which is neutral and non-polar, at codon 4359 of the SYNE1 protein (p.Ala4359Val). This variant is present in population databases (rs764402133, gnomAD 0.02%). In summary, the available evidence is currently insufficient to determine the role of this variant in disease. Therefore, it has been classified as a Variant of Uncertain Significance. Algorithms developed to predict the effect of missense changes on protein structure and function (SIFT, PolyPhen-2, Align-GVGD) all suggest that this variant is likely to be disruptive. This variant has not been reported in the literature in individuals affected with SYNE1-related conditions.

Ambry Genetics
Classification: Uncertain significance for Inborn genetic diseases. Last evaluated: 2021-09-16. Review status: criteria provided, single submitter. Criteria: Ambry Variant Classification Scheme 2023. Collection method: clinical testing. Allele origin: germline.